The following is an entry in ClinVar:

ClinVar aggregate classification (germline): Conflicting classifications of pathogenicity. Review status: criteria provided, conflicting classifications (1 of 4 stars). 3 submissions from 3 submitters: Uncertain significance (2); Likely benign (1). Last evaluated 2023-03-23.

Conditions:
Hereditary cancer-predisposing syndrome. Also called: Tumor predisposition; Hereditary Cancer Syndrome; Neoplastic Syndromes, Hereditary; Hereditary neoplastic syndrome. Identifiers: Orphanet 140162, MedGen C0027672, MeSH D009386, MONDO:0015356.
Hereditary breast ovarian cancer syndrome. Also called: Hereditary breast and ovarian cancer; Breast and ovarian cancer; Hereditary breast and/or ovarian cancer syndrome; Hereditary breast and ovarian cancer syndrome; BRCA1- and BRCA2-Associated Hereditary Breast and Ovarian Cancer; Hereditary breast and ovarian cancer syndrome (HBOC). Identifiers: Orphanet 145, MedGen C0677776, MeSH D061325, MONDO:0003582. Disease mechanism: loss of function.

Submissions (3):

University of Washington Department of Laboratory Medicine, University of Washington
Classification: Likely benign for Hereditary cancer-predisposing syndrome. Last evaluated: 2023-03-23. Review status: criteria provided, single submitter. Criteria: Dines et al. (Genet Med. 2020). Collection method: curation. Allele origin: germline.
Comment: Missense variant in a coldspot region where missense variants are very unlikely to be pathogenic (PMID:31911673).

BRCA2 exon 10 coldspot. Reclassification based on statistical prior probability.

Ambry Genetics
Classification: Uncertain significance for Hereditary cancer-predisposing syndrome. Last evaluated: 2022-01-07. Review status: criteria provided, single submitter. Criteria: Ambry Variant Classification Scheme 2023. Collection method: clinical testing. Allele origin: germline.
Comment: The p.N372D variant (also known as c.1114A>G), located in coding exon 9 of the BRCA2 gene, results from an A to G substitution at nucleotide position 1114. The asparagine at codon 372 is replaced by aspartic acid, an amino acid with highly similar properties. This amino acid position is not well conserved in available vertebrate species. In addition, this alteration is predicted to be tolerated by in silico analysis. Since supporting evidence is limited at this time, the clinical significance of this alteration remains unclear.

Labcorp Genetics (formerly Invitae), Labcorp
Classification: Uncertain significance for Hereditary breast ovarian cancer syndrome. Last evaluated: 2020-05-21. Review status: criteria provided, single submitter. Criteria: Invitae Variant Classification Sherloc (09022015). Collection method: clinical testing. Allele origin: germline.
Comment: In summary, the available evidence is currently insufficient to determine the role of this variant in disease. Therefore, it has been classified as a Variant of Uncertain Significance. Algorithms developed to predict the effect of missense changes on protein structure and function output the following: SIFT: "Tolerated"; PolyPhen-2: "Benign"; Align-GVGD: "Class C0". The aspartic acid amino acid residue is found in multiple mammalian species, suggesting that this missense change does not adversely affect protein function. These predictions have not been confirmed by published functional studies and their clinical significance is uncertain. This variant has not been reported in the literature in individuals with BRCA2-related conditions. ClinVar contains an entry for this variant (Variation ID: 822206). This variant is not present in population databases (ExAC no frequency). This sequence change replaces asparagine with aspartic acid at codon 372 of the BRCA2 protein (p.Asn372Asp). The asparagine residue is weakly conserved and there is a small physicochemical difference between asparagine and aspartic acid.

NM_000059.4(BRCA2):c.1114A>G (p.Asn372Asp)

Gene: BRCA2 (BRCA2 DNA repair associated; plus strand). Cytogenetic location: 13q13.1.
Variant type: single nucleotide variant.
Coding change: c.1114A>G on transcript NM_000059.4 (MANE Select); coding-DNA position 1114, A replaced by G.
Protein change: p.Asn372Asp; replaces asparagine 372 with aspartic acid.
Molecular consequence: missense variant.
Genome position (GRCh38, 1-based): chr13:32,332,592, A>G. VCF-style: chr13-32332592-A-G. GRCh37 (hg19) VCF-style: chr13-32906729-A-G.
Other names: short protein forms N372D.
Identifiers: ClinVar variation 822206 (VCV000822206.14), dbSNP rs144848, ClinGen allele CA387761621.
Genomic context (GRCh38, chr13:32,332,592, plus strand): 5'-TACTCATTTGTATCTGAAGTGGAACCAAATGATACTGATCCATTAGATTCAAATGTAGCA[A>G]ATCAGAAGCCCTTTGAGAGTGGAAGTGACAAAATCTCCAAGGAAGTTGTACCGTCTTTGG-3'
Protein context (NP_000050.3, residues 362-382): DTDPLDSNVA[Asn372Asp]QKPFESGSDK